The following is an entry in ClinVar:

NM_001378615.1(CC2D2A):c.2728C>A (p.Arg910=)

Genes: CC2D2A (coiled-coil and C2 domain containing 2A; plus strand), FBXL5 (F-box and leucine rich repeat protein 5; minus strand). Cytogenetic location: 4p15.32.
Variant type: single nucleotide variant.
Coding change: c.2728C>A on transcript NM_001378615.1 (MANE Select); coding-DNA position 2728, C replaced by A.
Protein change: p.Arg910=; no amino-acid change (arginine 910 retained).
Molecular consequence: synonymous variant.
Genome position (GRCh38, 1-based): chr4:15,557,406, C>A. VCF-style: chr4-15557406-C-A. GRCh37 (hg19) VCF-style: chr4-15559029-C-A.
Other names: c.2728C>A, p.Arg910= (NM_001080522.2); c.2581C>A, p.Arg861= (NM_001378617.1).
Identifiers: ClinVar variation 390837 (VCV000390837.1), dbSNP rs781206278, ClinGen allele CA16604610.
Genomic context (GRCh38, chr4:15,557,406, plus strand): 5'-CTGGAGCAGCTGCAACAGGAGTTTAACTTTGTTTCAGATCAAGAATTAAATAGATCCAAA[C>A]GATTTAGGCTTCTTCATCTTAGAAGCCAAGAGGTGCCAGAATTCCGAAATTATAAGCAAG-3'
Protein context (NP_001365544.1, residues 900-920): VSDQELNRSK[Arg910=]FRLLHLRSQE

ClinVar aggregate classification (germline): Likely benign (1 of 4 stars; one submission).

Allele frequency attached by ClinVar (database versions not stated): TOPMed below 0.00001.

Submission:

GeneDx
Classification: Likely benign. Last evaluated: 2016-11-17. Review status: criteria provided, single submitter. Criteria: GeneDx Variant Classification (06012015). Collection method: clinical testing. Allele origin: germline. Affected: yes.
Comment: This variant is considered likely benign or benign based on one or more of the following criteria: it is a conservative change, it occurs at a poorly conserved position in the protein, it is predicted to be benign by multiple in silico algorithms, and/or has population frequency not consistent with disease.